The following is an entry in ClinVar:

NM_001376.5(DYNC1H1):c.11609G>A (p.Arg3870Gln)

Gene: DYNC1H1 (dynein cytoplasmic 1 heavy chain 1; plus strand). Cytogenetic location: 14q32.31.
Variant type: single nucleotide variant.
Coding change: c.11609G>A on transcript NM_001376.5 (MANE Select); coding-DNA position 11609, G replaced by A.
Protein change: p.Arg3870Gln; replaces arginine 3870 with glutamine.
Molecular consequence: missense variant.
Genome position (GRCh38, 1-based): chr14:102,039,651, G>A. VCF-style: chr14-102039651-G-A. GRCh37 (hg19) VCF-style: chr14-102505988-G-A.
Other names: short protein forms R3870Q.
Identifiers: ClinVar variation 882194 (VCV000882194.5), dbSNP rs2048621150, ClinGen allele CA391034934.

ClinVar aggregate classification (germline): Uncertain significance. Review status: criteria provided, multiple submitters, no conflicts (2 of 4 stars). 3 submissions from 2 submitters: Uncertain significance (3). Last evaluated 2023-11-14.

Conditions:
Autosomal dominant cerebellar ataxia. Also called: Spinocerebellar Ataxia, Dominant. Identifiers: Orphanet 99, MedGen C4087347, MONDO:0020380.
Charcot-Marie-Tooth disease axonal type 2O. Also called: Charcot-Marie-Tooth disease, axonal, type 20; CHARCOT-MARIE-TOOTH NEUROPATHY, AXONAL, TYPE 2O; CHARCOT-MARIE-TOOTH DISEASE, AXONAL, AUTOSOMAL DOMINANT, TYPE 2O; Charcot-Marie-Tooth Neuropathy Type 2O. Identifiers: Orphanet 284232, MedGen C3280220, MONDO:0013644, OMIM 614228.

Submissions (3):

GeneDx
Classification: Uncertain significance. Last evaluated: 2023-11-14. Review status: criteria provided, single submitter. Criteria: GeneDx Variant Classification Process June 2021. Collection method: clinical testing. Allele origin: germline. Affected: yes.
Comment: Not observed at significant frequency in large population cohorts (gnomAD); In silico analysis supports that this missense variant has a deleterious effect on protein structure/function; Has not been previously published as pathogenic or benign to our knowledge; This variant is associated with the following publications: (PMID: 25512093, 25609763, 26100331)

Illumina Laboratory Services, Illumina
Classification: Uncertain significance for Charcot-Marie-Tooth disease axonal type 2O. Last evaluated: 2018-01-13. Review status: criteria provided, single submitter. Criteria: ICSL Variant Classification Criteria 13 December 2019. Collection method: clinical testing. Allele origin: germline.

Illumina Laboratory Services, Illumina
Classification: Uncertain significance for Spinocerebellar Ataxia, Dominant. Last evaluated: 2018-01-13. Review status: criteria provided, single submitter. Criteria: ICSL Variant Classification Criteria 13 December 2019. Collection method: clinical testing. Allele origin: germline.